The following is an entry in ClinVar:

ClinVar aggregate classification (germline): Conflicting classifications of pathogenicity. Review status: criteria provided, conflicting classifications (1 of 4 stars). 3 submissions from 3 submitters: Uncertain significance (1); Benign (1); Likely benign (1). Last evaluated 2025-12-10.

Conditions:
Hereditary cancer-predisposing syndrome. Also called: Tumor predisposition; Hereditary neoplastic syndrome; Hereditary Cancer Syndrome; Neoplastic Syndromes, Hereditary. Identifiers: Orphanet 140162, MedGen C0027672, MeSH D009386, MONDO:0015356.
BAP1-related tumor predisposition syndrome (TPDS1). Also called: Tumor susceptibility linked to germline BAP1 mutations; COMMON Syndrome; TUMOR PREDISPOSITION SYNDROME 1; BAP1 tumor predisposition syndrome. Identifiers: Orphanet 289539, MedGen C3280492, MONDO:0013692, OMIM 614327.

Allele frequency attached by ClinVar (database versions not stated): gnomAD 0.00001.
gnomAD v4.1: 10 of 1,613,960 alleles (0.00062%); highest among the groups gnomAD compares: Non-Finnish European, 0.00085%; no homozygotes.

Submissions (3):

Color Diagnostics, LLC DBA Color Health
Classification: Likely benign for Hereditary cancer-predisposing syndrome. Last evaluated: 2025-12-10. Review status: criteria provided, single submitter. Criteria: ACMG Guidelines, 2015. Collection method: clinical testing. Allele origin: germline.

Labcorp Genetics (formerly Invitae), Labcorp
Classification: Uncertain significance for BAP1-related tumor predisposition syndrome. Last evaluated: 2025-10-20. Review status: criteria provided, single submitter. Criteria: Invitae Variant Classification Sherloc (09022015). Collection method: clinical testing. Allele origin: germline.
Comment: This sequence change replaces asparagine, which is neutral and polar, with histidine, which is basic and polar, at codon 344 of the BAP1 protein (p.Asn344His). This variant is not present in population databases (gnomAD no frequency). This missense change has been observed in individual(s) with melanoma (PMID: 28062663). ClinVar contains an entry for this variant (Variation ID: 1171767). Invitae Evidence Modeling of protein sequence and biophysical properties (such as structural, functional, and spatial information, amino acid conservation, physicochemical variation, residue mobility, and thermodynamic stability) indicates that this missense variant is not expected to disrupt BAP1 protein function with a negative predictive value of 80%. Experimental studies have shown that this missense change does not substantially affect BAP1 function (PMID: 28062663). In summary, the available evidence is currently insufficient to determine the role of this variant in disease. Therefore, it has been classified as a Variant of Uncertain Significance.

Ambry Genetics
Classification: Benign for Hereditary cancer-predisposing syndrome. Last evaluated: 2025-08-06. Review status: criteria provided, single submitter. Criteria: Ambry Variant Classification Scheme 2023. Collection method: clinical testing. Allele origin: germline.

Literature cited by the submitters: PubMed 28062663 (cited by Labcorp Genetics (formerly Invitae), Labcorp and Ambry Genetics); PubMed 38969833 (cited by Ambry Genetics).

NM_004656.4(BAP1):c.1030A>C (p.Asn344His)

Gene: BAP1 (BRCA1 associated deubiquitinase 1; minus strand). Cytogenetic location: 3p21.1.
Variant type: single nucleotide variant.
Coding change: c.1030A>C on transcript NM_004656.4 (MANE Select); coding-DNA position 1030, A replaced by C.
Protein change: p.Asn344His; replaces asparagine 344 with histidine.
Molecular consequence: missense variant.
Genome position (GRCh38, 1-based): chr3:52,405,196, T>G on the plus strand (A>C on the coding strand, the complement: BAP1 is on the minus strand). VCF-style: chr3-52405196-T-G. GRCh37 (hg19) VCF-style: chr3-52439212-T-G.
Other names: c.1030A>C (NM_004656.2); short protein forms N344H.
Identifiers: ClinVar variation 1171767 (VCV001171767.9), dbSNP rs1332735229, ClinGen allele CA353105879.